The following is an entry in ClinVar:

NM_002047.4(GARS1):c.1771C>T (p.His591Tyr)

Gene: GARS1 (glycyl-tRNA synthetase 1; plus strand). Cytogenetic location: 7p14.3.
Variant type: single nucleotide variant.
Coding change: c.1771C>T on transcript NM_002047.4 (MANE Select); coding-DNA position 1771, C replaced by T.
Protein change: p.His591Tyr; replaces histidine 591 with tyrosine.
Molecular consequence: missense variant.
Genome position (GRCh38, 1-based): chr7:30,628,631, C>T. VCF-style: chr7-30628631-C-T. GRCh37 (hg19) VCF-style: chr7-30668247-C-T.
Other names: c.1609C>T, p.His537Tyr (NM_001316772.1); short protein forms H537Y, H591Y.
Identifiers: ClinVar variation 4975951 (VCV004975951.1).

ClinVar aggregate classification (germline): Uncertain significance (1 of 4 stars; one submission).

Submission:

GeneDx
Classification: Uncertain significance. Last evaluated: 2026-02-07. Review status: criteria provided, single submitter. Criteria: GeneDx Variant Classification Process June 2021. Collection method: clinical testing. Allele origin: germline.
Comment: In silico analysis supports that this missense variant has a deleterious effect on protein structure/function; Not observed at significant frequency in large population cohorts (gnomAD); Has not been previously published as pathogenic or benign to our knowledge; This variant is associated with the following publications: (PMID: 25168514, 26138142, 26503042)